The following is an entry in ClinVar:

ClinVar aggregate classification (germline): Uncertain significance (1 of 4 stars; one submission).

gnomAD v4.1: 7 of 854,710 alleles (0.00082%); highest among the groups gnomAD compares: South Asian, 0.011%; no homozygotes.

Submission:

GeneDx
Classification: Uncertain significance. Last evaluated: 2026-03-09. Review status: criteria provided, single submitter. Criteria: GeneDx Variant Classification Process June 2021. Collection method: clinical testing. Allele origin: germline.
Comment: Nucleotide is not conserved across species and the substitution has no predicted effect on splicing; Has not been previously published as pathogenic or benign to our knowledge; No data available from control populations to assess the frequency of this variant; Located in a regulatory region; in the absence of functional studies, the actual effect of this sequence change is unknown

NM_207034.3(EDN3):c.-132G>T

Gene: EDN3 (endothelin 3; plus strand). Cytogenetic location: 20q13.32.
Variant type: single nucleotide variant.
Coding change: c.-132G>T on transcript NM_207034.3 (MANE Select); 132 bases upstream of the start codon, G replaced by T.
Molecular consequence: 5 prime UTR variant.
Genome position (GRCh38, 1-based): chr20:59,300,681, G>T. VCF-style: chr20-59300681-G-T. GRCh37 (hg19) VCF-style: chr20-57875736-G-T.
Other names: c.-132G>T (NM_001302455.2, NM_001302456.2, NM_001424361.1 and 4 more transcripts).
Identifiers: ClinVar variation 5008455 (VCV005008455.1).